The following is an entry in ClinVar:

NM_203475.3(PORCN):c.1145C>T (p.Pro382Leu)

Gene: PORCN (porcupine O-acyltransferase; plus strand). Cytogenetic location: Xp11.23.
Variant type: single nucleotide variant.
Coding change: c.1145C>T on transcript NM_203475.3 (MANE Select); coding-DNA position 1145, C replaced by T.
Protein change: p.Pro382Leu; replaces proline 382 with leucine.
Molecular consequence: missense variant.
Genome position (GRCh38, 1-based): chrX:48,516,118, C>T. VCF-style: chrX-48516118-C-T. GRCh37 (hg19) VCF-style: chrX-48374506-C-T.
Other names: c.899C>T, p.Pro300Leu (NM_001282167.2); c.1112C>T, p.Pro371Leu (NM_022825.4); c.1130C>T, p.Pro377Leu (NM_203473.3); c.1127C>T, p.Pro376Leu (NM_203474.1); short protein forms P371L, P300L, P377L, P382L, P376L.
Identifiers: ClinVar variation 1904089 (VCV001904089.29), dbSNP rs1019599241, ClinGen allele CA329070076.

ClinVar aggregate classification (germline): Uncertain significance. Review status: criteria provided, multiple submitters, no conflicts (2 of 4 stars). 2 submissions from 2 submitters: Uncertain significance (2). Last evaluated 2023-10-01.

Allele frequency attached by ClinVar (database versions not stated): gnomAD exomes 0.00001.
gnomAD v4.1: 9 of 1,211,525 alleles (0.00074%); highest among the groups gnomAD compares: Middle Eastern, 0.023%; no homozygotes.

Submissions (2):

CeGaT Center for Human Genetics Tuebingen
Classification: Uncertain significance. Last evaluated: 2023-10-01. Review status: criteria provided, single submitter. Criteria: CeGaT Center For Human Genetics Tuebingen Variant Classification Criteria Version 2. Collection method: clinical testing. Allele origin: germline. Affected: yes. Observed: 1 variant allele.
Comment: PORCN: PM2, BP4

Labcorp Genetics (formerly Invitae), Labcorp
Classification: Uncertain significance. Last evaluated: 2022-03-06. Review status: criteria provided, single submitter. Criteria: Invitae Variant Classification Sherloc (09022015). Collection method: clinical testing. Allele origin: germline.
Comment: This sequence change replaces proline, which is neutral and non-polar, with leucine, which is neutral and non-polar, at codon 382 of the PORCN protein (p.Pro382Leu). This variant is not present in population databases (gnomAD no frequency). This variant has not been reported in the literature in individuals affected with PORCN-related conditions. Algorithms developed to predict the effect of missense changes on protein structure and function output the following: SIFT: "Tolerated"; PolyPhen-2: "Benign"; Align-GVGD: "Class C0". The leucine amino acid residue is found in multiple mammalian species, which suggests that this missense change does not adversely affect protein function. In summary, the available evidence is currently insufficient to determine the role of this variant in disease. Therefore, it has been classified as a Variant of Uncertain Significance.